The following is an entry in ClinVar:

NC_000014.9:g.23389063G>T

Gene: MYH6 (myosin heavy chain 6; minus strand). Cytogenetic location: 14q11.2.
Variant type: single nucleotide variant.
Genome position: GRCh38 VCF-style: chr14-23389063-G-T. GRCh37 (hg19) VCF-style: chr14-23858272-G-T.
Other names: c.3979-8C>A (LRG_389t1).
Identifiers: ClinVar variation 1285119 (VCV001285119.11), dbSNP rs555976716, ClinGen allele CA7114970.

ClinVar aggregate classification (germline): Likely benign. Review status: criteria provided, single submitter (1 of 4 stars). 4 submissions from 4 submitters: Likely benign (1). 3 of the submissions do not count toward it. Last evaluated 2026-01-14.

Conditions:
MYH6-related disorder. Also called: MYH6-related condition; MYH6-Related Disorders.
Hypertrophic cardiomyopathy 14. Identifiers: MedGen C2750467, MONDO:0013197, OMIM 613251.

Allele frequency attached by ClinVar (database versions not stated): TOPMed 0.00002.

Submissions (4):

Labcorp Genetics (formerly Invitae), Labcorp
Classification: Likely benign for Hypertrophic cardiomyopathy 14. Last evaluated: 2026-01-14. Review status: criteria provided, single submitter. Criteria: Invitae Variant Classification Sherloc (09022015). Collection method: clinical testing. Allele origin: germline.

PreventionGenetics, part of Exact Sciences
Classification: Likely benign for MYH6-related condition. Last evaluated: 2021-03-19. Review status: no assertion criteria provided. Collection method: clinical testing. Allele origin: germline. Not counted in ClinVar's aggregate classification.
Comment: This variant is classified as likely benign based on ACMG/AMP sequence variant interpretation guidelines (Richards et al. 2015 PMID: 25741868, with internal and published modifications).

Clinical Genetics DNA and cytogenetics Diagnostics Lab, Erasmus MC, Erasmus Medical Center
Classification: Likely benign. Review status: no assertion criteria provided. Collection method: clinical testing. Allele origin: germline. Affected: yes. Study: VKGL Data-share Consensus. Not counted in ClinVar's aggregate classification.

Genome Diagnostics Laboratory, University Medical Center Utrecht
Classification: Likely benign. Review status: no assertion criteria provided. Collection method: clinical testing. Allele origin: germline. Affected: yes. Study: VKGL Data-share Consensus. Not counted in ClinVar's aggregate classification.